The following is an entry in ClinVar:

ClinVar aggregate classification (germline): Uncertain significance (1 of 4 stars; one submission).

Conditions:
Fanconi anemia (FA). Also called: Fanconi's anemia. Identifiers: Orphanet 84, MedGen C0015625, MeSH D005199, MONDO:0019391.

Allele frequency attached by ClinVar (database versions not stated): gnomAD exomes below 0.00001; gnomAD 0.00001.

Submission:

Labcorp Genetics (formerly Invitae), Labcorp
Classification: Uncertain significance for Fanconi anemia. Last evaluated: 2022-05-05. Review status: criteria provided, single submitter. Criteria: Invitae Variant Classification Sherloc (09022015). Collection method: clinical testing. Allele origin: germline.
Comment: In summary, the available evidence is currently insufficient to determine the role of this variant in disease. Therefore, it has been classified as a Variant of Uncertain Significance. Algorithms developed to predict the effect of missense changes on protein structure and function output the following: SIFT: "Tolerated"; PolyPhen-2: "Benign"; Align-GVGD: "Class C0". The aspartic acid amino acid residue is found in multiple mammalian species, which suggests that this missense change does not adversely affect protein function. This variant has not been reported in the literature in individuals affected with FANCM-related conditions. This variant is present in population databases (no rsID available, gnomAD 0.0008%). This sequence change replaces asparagine, which is neutral and polar, with aspartic acid, which is acidic and polar, at codon 1369 of the FANCM protein (p.Asn1369Asp).

NM_020937.4(FANCM):c.4105A>G (p.Asn1369Asp)

Gene: FANCM (FA complementation group M; plus strand). Cytogenetic location: 14q21.2.
Variant type: single nucleotide variant.
Coding change: c.4105A>G on transcript NM_020937.4 (MANE Select); coding-DNA position 4105, A replaced by G.
Protein change: p.Asn1369Asp; replaces asparagine 1369 with aspartic acid.
Molecular consequence: missense variant.
Genome position (GRCh38, 1-based): chr14:45,176,859, A>G. VCF-style: chr14-45176859-A-G. GRCh37 (hg19) VCF-style: chr14-45646062-A-G.
Other names: c.4027A>G, p.Asn1343Asp (NM_001308133.2); short protein forms N1343D, N1369D.
Identifiers: ClinVar variation 1514506 (VCV001514506.8), dbSNP rs1248092760, ClinGen allele CA389604328.